The following is an entry in ClinVar:

ClinVar aggregate classification (germline): Likely pathogenic (1 of 4 stars; one submission).

Conditions:
Bethlem myopathy 1A. Also called: MYOPATHY, BENIGN CONGENITAL, WITH CONTRACTURES; Bethlem myopathy 1; Bethlem Muscular Dystrophy. Identifiers: Orphanet 610, MedGen CN029274, MONDO:0024530, OMIM 158810.

gnomAD v4.1: 3 of 1,609,294 alleles (0.00019%); highest among the groups gnomAD compares: Admixed American, 0.005%; no homozygotes.

Submission:

Labcorp Genetics (formerly Invitae), Labcorp
Classification: Likely pathogenic for Bethlem myopathy 1A. Last evaluated: 2025-08-24. Review status: criteria provided, single submitter. Criteria: Invitae Variant Classification Sherloc (09022015). Collection method: clinical testing. Allele origin: germline.
Comment: This sequence change affects an acceptor splice site in intron 9 of the COL6A3 gene. It is expected to disrupt RNA splicing. Variants that disrupt the donor or acceptor splice site typically lead to a loss of protein function (PMID: 16199547), and loss-of-function variants in COL6A3 are known to be pathogenic (PMID: 26004199). This variant is present in population databases (rs761453030, gnomAD 0.009%). This variant has not been reported in the literature in individuals affected with COL6A3-related conditions. ClinVar contains an entry for this variant (Variation ID: 1521963). Algorithms developed to predict the effect of sequence changes on RNA splicing suggest that this variant may disrupt the consensus splice site. In summary, the currently available evidence indicates that the variant is pathogenic, but additional data are needed to prove that conclusively. Therefore, this variant has been classified as Likely Pathogenic.

Literature cited by the submitters: PubMed 16199547; PubMed 26004199.

NM_004369.4(COL6A3):c.4286-2A>G

Gene: COL6A3 (collagen type VI alpha 3 chain; minus strand). Cytogenetic location: 2q37.3.
Variant type: single nucleotide variant.
Coding change: c.4286-2A>G on transcript NM_004369.4 (MANE Select); the canonical splice acceptor site of the intron before coding-DNA position 4286, A replaced by G.
Molecular consequence: splice acceptor variant.
Genome position (GRCh38, 1-based): chr2:237,369,179, T>C on the plus strand (A>G on the coding strand, the complement: COL6A3 is on the minus strand). VCF-style: chr2-237369179-T-C. GRCh37 (hg19) VCF-style: chr2-238277822-T-C.
Other names: c.2465-2A>G (NM_057166.5); c.3668-2A>G (NM_057167.4).
Identifiers: ClinVar variation 1521963 (VCV001521963.8), dbSNP rs761453030, ClinGen allele CA2188925.
Genomic context (GRCh38, chr2:237,369,179, plus strand): 5'-CCTAACTCCCTCAGAGCTGTCGATCAGAAAGACAATGTCTGCAGCATCACTCTCAACTGC[T>C]GCAGATCAAAGAAGAAAAAGGGAAACATTCAGTGTGTAAGTAGCCCTCACCCAGGTTTGG-3'